The following is an entry in ClinVar:

ClinVar aggregate classification (germline): Uncertain significance. Review status: criteria provided, multiple submitters, no conflicts (2 of 4 stars). 2 submissions from 2 submitters: Uncertain significance (2). Last evaluated 2023-10-23.

Conditions:
Cardiovascular phenotype. Identifiers: MedGen CN230736.

Submissions (2):

Blueprint Genetics
Classification: Uncertain significance. Last evaluated: 2023-10-23. Review status: criteria provided, single submitter. Criteria: ACMG Guidelines, 2015. Collection method: clinical testing. Allele origin: germline.

Ambry Genetics
Classification: Uncertain significance for Cardiovascular phenotype. Last evaluated: 2021-05-25. Review status: criteria provided, single submitter. Criteria: Ambry Variant Classification Scheme 2023. Collection method: clinical testing. Allele origin: germline.
Comment: The p.G2664D variant (also known as c.7991G>A) located in coding exon 48 of the FLNC gene, results from a G to A substitution at nucleotide position 7991. This variant impacts the first base pair of coding exon 48. The glycine at codon 2664 is replaced by aspartic acid, an amino acid with similar properties. This amino acid position is highly conserved in available vertebrate species. In addition, this alteration is predicted to be deleterious by in silico analysis. Since supporting evidence is limited at this time, the clinical significance of this alteration remains unclear.

NM_001458.5(FLNC):c.7991G>A (p.Gly2664Asp)

Genes: FLNC (filamin C; plus strand), FLNC-AS1 (FLNC antisense RNA 1; minus strand). Cytogenetic location: 7q32.1.
Variant type: single nucleotide variant.
Coding change: c.7991G>A on transcript NM_001458.5 (MANE Select); coding-DNA position 7991, G replaced by A.
Protein change: p.Gly2664Asp; replaces glycine 2664 with aspartic acid.
Molecular consequence: missense variant.
Genome position (GRCh38, 1-based): chr7:128,858,336, G>A. VCF-style: chr7-128858336-G-A. GRCh37 (hg19) VCF-style: chr7-128498390-G-A.
Other names: c.7892G>A, p.Gly2631Asp (NM_001127487.2); short protein forms G2664D, G2631D.
Identifiers: ClinVar variation 1761519 (VCV001761519.3), dbSNP rs2536673599, ClinGen allele CA369220957.